The following is an entry in ClinVar:

ClinVar aggregate classification (germline): Uncertain significance (1 of 4 stars; one submission).

Conditions:
Tenorio syndrome (TNORS). Also called: OVERGROWTH, MACROCEPHALY, AND INTELLECTUAL DISABILITY SYNDROME. Identifiers: MedGen C4015710, MONDO:0014553, OMIM 616260.

Submission:

Labcorp Genetics (formerly Invitae), Labcorp
Classification: Uncertain significance for Tenorio syndrome. Last evaluated: 2022-10-25. Review status: criteria provided, single submitter. Criteria: Invitae Variant Classification Sherloc (09022015). Collection method: clinical testing. Allele origin: germline.
Comment: In summary, the available evidence is currently insufficient to determine the role of this variant in disease. Therefore, it has been classified as a Variant of Uncertain Significance. This variant has not been reported in the literature in individuals affected with RNF125-related conditions. This variant is not present in population databases (gnomAD no frequency). This sequence change creates a premature translational stop signal (p.Leu175*) in the RNF125 gene. It is expected to result in an absent or disrupted protein product. However, the current clinical and genetic evidence is not sufficient to establish whether loss-of-function variants in RNF125 cause disease.

NM_017831.4(RNF125):c.524del (p.Arg174_Leu175insTer)

Gene: RNF125 (ring finger protein 125; plus strand). Cytogenetic location: 18q12.1.
Variant type: Deletion.
Coding change: c.524del on transcript NM_017831.4 (MANE Select); coding-DNA position 524, one base deleted (T; older notation c.524delT).
Protein change: p.Arg174_Leu175insTer.
Molecular consequence: nonsense.
Genome position (GRCh38, 1-based): chr18:32,065,921, T deleted; the last of 3 consecutive T bases (chr18:32,065,919-32,065,921); deleting any one gives the same sequence. VCF-style (leftmost placement, unchanged base first): chr18-32065918-GT-G. GRCh37 (hg19) VCF-style: chr18-29645881-GT-G.
Identifiers: ClinVar variation 2026027 (VCV002026027.4), dbSNP rs2510930846, ClinGen allele CA2580095602.